The following is an entry in ClinVar:

NM_000038.6(APC):c.5895T>G (p.His1965Gln)

Gene: APC (APC regulator of Wnt signaling pathway; plus strand). Cytogenetic location: 5q22.2.
Variant type: single nucleotide variant.
Coding change: c.5895T>G on transcript NM_000038.6 (MANE Select); coding-DNA position 5895, T replaced by G.
Protein change: p.His1965Gln; replaces histidine 1965 with glutamine.
Molecular consequence: missense variant. On other transcripts: non-coding transcript variant (2).
Genome position (GRCh38, 1-based): chr5:112,841,489, T>G. VCF-style: chr5-112841489-T-G. GRCh37 (hg19) VCF-style: chr5-112177186-T-G.
Other names: c.5895T>G, p.His1965Gln (NM_001127510.3, NM_001354895.2, NM_001407450.1); c.5841T>G, p.His1947Gln (NM_001127511.3); c.5949T>G, p.His1983Gln (NM_001354896.2, NM_001407447.1, NM_001407448.1 and 1 more transcripts); c.5925T>G, p.His1975Gln (NM_001354897.2); c.5820T>G, p.His1940Gln (NM_001354898.2); c.5811T>G, p.His1937Gln (NM_001354899.2); c.5772T>G, p.His1924Gln (NM_001354900.2); c.5718T>G, p.His1906Gln (NM_001354901.2, NM_001407453.1); and 11 more; short protein forms H1805Q, H1864Q, H1947Q, H1965Q, H1839Q, H1874Q, H1906Q, H1955Q.
Identifiers: ClinVar variation 3304557 (VCV003304557.1).
Genomic context (GRCh38, chr5:112,841,489, plus strand): 5'-AGCAACTGATGAAAAGTTACAGAATTTTGCTATTGAAAATACTCCGGTTTGCTTTTCTCA[T>G]AATTCCTCTCTGAGTTCTCTCAGTGACATTGACCAAGAAAACAACAATAAAGAAAATGAA-3'
Protein context (NP_000029.2, residues 1955-1975): AIENTPVCFS[His1965Gln]NSSLSSLSDI

ClinVar aggregate classification (germline): Uncertain significance (1 of 4 stars; one submission).

Conditions:
Hereditary cancer-predisposing syndrome. Also called: Tumor predisposition; Hereditary Cancer Syndrome; Hereditary neoplastic syndrome; Neoplastic Syndromes, Hereditary. Identifiers: Orphanet 140162, MedGen C0027672, MeSH D009386, MONDO:0015356.

Submission:

Ambry Genetics
Classification: Uncertain significance for Hereditary cancer-predisposing syndrome. Last evaluated: 2024-04-06. Review status: criteria provided, single submitter. Criteria: Ambry Variant Classification Scheme 2023. Collection method: clinical testing. Allele origin: germline.
Comment: The p.H1965Q variant (also known as c.5895T>G), located in coding exon 15 of the APC gene, results from a T to G substitution at nucleotide position 5895. The histidine at codon 1965 is replaced by glutamine, an amino acid with highly similar properties. This amino acid position is conserved. In addition, in silico predictors for this gene do not accurately predict pathogenicity. Based on the available evidence, the clinical significance of this variant remains unclear.